The following is an entry in ClinVar:

NM_001368397.1(FRMPD4):c.3281A>T (p.Tyr1094Phe)

Gene: FRMPD4 (FERM and PDZ domain containing 4; plus strand). Cytogenetic location: Xp22.2.
Variant type: single nucleotide variant.
Coding change: c.3281A>T on transcript NM_001368397.1 (MANE Select); coding-DNA position 3281, A replaced by T.
Protein change: p.Tyr1094Phe; replaces tyrosine 1094 with phenylalanine.
Molecular consequence: missense variant.
Genome position (GRCh38, 1-based): chrX:12,718,107, A>T. VCF-style: chrX-12718107-A-T. GRCh37 (hg19) VCF-style: chrX-12736226-A-T.
Other names: c.3392A>T, p.Tyr1131Phe (NM_001368395.3, NM_001368398.3); c.3287A>T, p.Tyr1096Phe (NM_001368396.3); c.3272A>T, p.Tyr1091Phe (NM_001368399.3); c.3161A>T, p.Tyr1054Phe (NM_001368400.3); c.3257A>T, p.Tyr1086Phe (NM_001368401.1, NM_001368402.3); c.3281A>T, p.Tyr1094Phe (NM_014728.3); short protein forms Y1054F, Y1091F, Y1094F, Y1131F, Y1086F, Y1096F.
Identifiers: ClinVar variation 1031298 (VCV001031298.4), dbSNP rs1288896792, ClinGen allele CA412318415.

ClinVar aggregate classification (germline): Uncertain significance. Review status: criteria provided, multiple submitters, no conflicts (2 of 4 stars). 3 submissions from 3 submitters: Uncertain significance (3). Last evaluated 2024-01-01.

Conditions:
Intellectual developmental disorder, X-linked 104. Also called: Intellectual disability, X-linked 104. Identifiers: MedGen C4310817, MONDO:0010509, OMIM 300983.

Allele frequency attached by ClinVar (database versions not stated): TOPMed 0.00001; gnomAD 0.00001.
gnomAD v4.1: 1 of 1,208,940 alleles (0.000083%); highest among the groups gnomAD compares: Admixed American, 0.0022%; no homozygotes.

Submissions (3):

Daryl Scott Lab, Baylor College of Medicine
Classification: Uncertain significance for Intellectual developmental disorder, X-linked 104. Last evaluated: 2024-01-01. Review status: criteria provided, single submitter. Criteria: ACMG Guidelines, 2015. Collection method: clinical testing. Allele origin: unknown. Observed: 1 hemizygote.
Comment: PM2

Baylor Genetics
Classification: Uncertain significance for Intellectual developmental disorder, X-linked 104. Last evaluated: 2020-07-29. Review status: criteria provided, single submitter. Criteria: ACMG Guidelines, 2015. Collection method: clinical testing. Allele origin: unknown. Affected: yes.
Comment: This variant was determined to be of uncertain significance according to ACMG Guidelines, 2015 [PMID:25741868].

GeneDx
Classification: Uncertain significance. Last evaluated: 2020-01-27. Review status: criteria provided, single submitter. Criteria: GeneDx Variant Classification Process June 2021. Collection method: clinical testing. Allele origin: germline. Affected: yes.
Comment: Not observed in large population cohorts (Lek et al., 2016); In silico analysis, which includes protein predictors and evolutionary conservation, supports that this variant does not alter protein structure/function; Has not been previously published as pathogenic or benign to our knowledge